The following is an entry in ClinVar:

NM_006545.5(NPRL2):c.-4T>G

Gene: NPRL2 (NPR2 like, GATOR1 complex subunit; minus strand). Cytogenetic location: 3p21.31.
Variant type: single nucleotide variant.
Coding change: c.-4T>G on transcript NM_006545.5 (MANE Select); 4 bases upstream of the start codon, T replaced by G.
Molecular consequence: 5 prime UTR variant.
Genome position (GRCh38, 1-based): chr3:50,350,656, A>C on the plus strand (T>G on the coding strand, the complement: NPRL2 is on the minus strand). VCF-style: chr3-50350656-A-C. GRCh37 (hg19) VCF-style: chr3-50388087-A-C.
Identifiers: ClinVar variation 1675922 (VCV001675922.33), dbSNP rs41291730, ClinGen allele CA2417702.

ClinVar aggregate classification (germline): Benign/Likely benign. Review status: criteria provided, multiple submitters, no conflicts (2 of 4 stars). 2 submissions from 2 submitters: Benign (1); Likely benign (1). Last evaluated 2026-08-01.

Allele frequency attached by ClinVar (database versions not stated): 1000 Genomes Project 0.00180; 1000 Genomes Project 30x 0.00187; TOPMed 0.00381; ESP Exome Variant Server 0.00431; gnomAD exomes 0.00456 and 0.00647; gnomAD 0.00468 and 0.00483; ExAC 0.00714.
gnomAD v4.1: 9,982 of 1,602,662 alleles (0.62%); highest among the groups gnomAD compares: Non-Finnish European, 0.75%; 52 homozygotes.

Submissions (2):

CeGaT Center for Human Genetics Tuebingen
Classification: Benign. Last evaluated: 2026-08-01. Review status: criteria provided, single submitter. Criteria: CeGaT Center For Human Genetics Tuebingen Variant Classification Criteria Version 2. Collection method: clinical testing. Allele origin: germline. Affected: yes. Observed: 33 variant alleles.
Comment: NPRL2: BP4, BS1, BS2

Breakthrough Genomics
Classification: Likely benign. Review status: criteria provided, single submitter. Criteria: ACMG Guidelines, 2015. Collection method: not provided. Allele origin: germline. Inheritance: Autosomal dominant inheritance. Affected: yes.